The following is an entry in ClinVar:

ClinVar aggregate classification (germline): Uncertain significance. Review status: criteria provided, multiple submitters, no conflicts (2 of 4 stars). 7 submissions from 7 submitters: Uncertain significance (6). 1 of the submissions does not count toward it. Last evaluated 2026-04-06.

Conditions:
Cardiovascular phenotype. Identifiers: MedGen CN230736.
MYBPC3-related disorder. Also called: MYBPC3-related disorders; MYBPC3-related condition; MYBPC3-related disease.
Hypertrophic cardiomyopathy 4. Also called: Familial hypertrophic cardiomyopathy 4. Identifiers: MedGen C1861862, MONDO:0007268, OMIM 115197.
Left ventricular noncompaction 10 (LVNC10). Identifiers: Orphanet 154, Orphanet 54260, MedGen C3715165, MONDO:0014163, OMIM 615396.
Cardiomyopathy (CMYO). Also called: Cardiomyopathies. Identifiers: Orphanet 167848, MedGen C0878544, MONDO:0004994, HP:0001638. Inheritance: Various modes of inheritance.
Hypertrophic cardiomyopathy. Also called: HYPERTROPHIC MYOCARDIOPATHY. Identifiers: Orphanet 217569, MedGen C0007194, MeSH D002312, MONDO:0005045, HP:0001639.

Allele frequency attached by ClinVar (database versions not stated): gnomAD exomes below 0.00001 and 0.00001; TOPMed below 0.00001; ExAC 0.00001; gnomAD 0.00001.
gnomAD v4.1: 2 of 1,613,898 alleles (0.00012%); highest among the groups gnomAD compares: Non-Finnish European, 0.00017%; no homozygotes.

Submissions (7):

PreventionGenetics, part of Exact Sciences
Classification: Uncertain significance for MYBPC3-related condition. Last evaluated: 2026-04-06. Review status: criteria provided, single submitter. Criteria: ACMG Guidelines, 2015. Collection method: clinical testing. Allele origin: germline.
Comment: The MYBPC3 c.1540A>G variant is predicted to result in the amino acid substitution p.Ile514Val. This variant has been reported in individuals with hypertrophic cardiomyopathy (Supplementary data, Alfares et al. 2015. PubMed ID: 25611685; Table S1B, Walsh et al. 2017. PubMed ID: 27532257; Table S8, McGurk et al. 2023. PubMed ID: 37652022). This variant is reported in 0.0018% of alleles in individuals of European (Non-Finnish) descent in gnomAD. At this time, the clinical significance of this variant is uncertain due to the absence of conclusive functional and genetic evidence.

Color Diagnostics, LLC DBA Color Health
Classification: Uncertain significance for Cardiomyopathy. Last evaluated: 2025-07-22. Review status: criteria provided, single submitter. Criteria: ACMG Guidelines, 2015. Collection method: clinical testing. Allele origin: germline.
Comment: This missense variant replaces isoleucine with valine at codon 514 of the MYBPC3 protein. Computational prediction tool is inconclusive regarding the impact of this variant on protein structure and function. To our knowledge, functional studies have not been reported for this variant. This variant has been reported in an individual affected with hypertrophic cardiomyopathy (PMID: 25611685, 27532257, 37652022) and in an individual affected with either hypertrophic cardiomyopathy or long QT syndrome (PMID: 31229680). This variant has been identified in 2/249270 chromosomes in the general population by the Genome Aggregation Database (gnomAD). The available evidence is insufficient to determine the role of this variant in disease conclusively. Therefore, this variant is classified as a Variant of Uncertain Significance.

Labcorp Genetics (formerly Invitae), Labcorp
Classification: Uncertain significance for Hypertrophic cardiomyopathy. Last evaluated: 2025-06-11. Review status: criteria provided, single submitter. Criteria: Invitae Variant Classification Sherloc (09022015). Collection method: clinical testing. Allele origin: germline.
Comment: This sequence change replaces isoleucine, which is neutral and non-polar, with valine, which is neutral and non-polar, at codon 514 of the MYBPC3 protein (p.Ile514Val). This variant is present in population databases (rs727503200, gnomAD 0.0009%). This missense change has been observed in individual(s) with hypertrophic cardiomyopathy (PMID: 27532257, 37652022). ClinVar contains an entry for this variant (Variation ID: 164110). An algorithm developed to predict the effect of missense changes on protein structure and function (PolyPhen-2) suggests that this variant is likely to be tolerated. In summary, the available evidence is currently insufficient to determine the role of this variant in disease. Therefore, it has been classified as a Variant of Uncertain Significance.

Ambry Genetics
Classification: Uncertain significance for Cardiovascular phenotype. Last evaluated: 2025-03-04. Review status: criteria provided, single submitter. Criteria: Ambry Variant Classification Scheme 2023. Collection method: clinical testing. Allele origin: germline.
Comment: The p.I514V variant (also known as c.1540A>G), located in coding exon 17 of the MYBPC3 gene, results from an A to G substitution at nucleotide position 1540. The isoleucine at codon 514 is replaced by valine, an amino acid with highly similar properties. This variant was identified in 1 patient with hypertrophic cardiomyopathy (HCM) in a large study of pathogenicity of Mendelian variants in cardiomyopathy patients, but clinical details are limited (Walsh R et al. Genet Med, 2017 Feb;19:192-203). This amino acid position is highly conserved in available vertebrate species. In addition, this alteration is predicted to be tolerated by in silico analysis. Based on the available evidence, the clinical significance of this variant remains unclear.

GeneDx
Classification: Uncertain significance. Last evaluated: 2024-04-03. Review status: criteria provided, single submitter. Criteria: GeneDx Variant Classification Process June 2021. Collection method: clinical testing. Allele origin: germline. Affected: yes.
Comment: Identified in patients with HCM in published literature (PMID: 37652022, 27532257); Not observed at significant frequency in large population cohorts (gnomAD); In silico analysis supports that this missense variant does not alter protein structure/function; This variant is associated with the following publications: (PMID: 37652022, 27532257)

Fulgent Genetics
Classification: Uncertain significance for Hypertrophic cardiomyopathy 4; Left ventricular noncompaction 10. Last evaluated: 2021-09-30. Review status: criteria provided, single submitter. Criteria: ACMG Guidelines, 2015. Collection method: clinical testing. Allele origin: unknown.

Laboratory for Molecular Medicine, Mass General Brigham Personalized Medicine
Classification: Uncertain significance. Last evaluated: 2013-02-12. Review status: no assertion criteria provided. Collection method: clinical testing. Allele origin: germline. Observed: 1 variant allele. Not counted in ClinVar's aggregate classification.
Comment: proposed classification - variant undergoing re-assessment, contact laboratory

Literature cited by the submitters: PubMed 25611685 (cited by Color Diagnostics, LLC DBA Color Health and Ambry Genetics); PubMed 27532257 (cited by 3 submitters); PubMed 31229680 (cited by Color Diagnostics, LLC DBA Color Health); PubMed 37652022 (cited by Color Diagnostics, LLC DBA Color Health and Labcorp Genetics (formerly Invitae), Labcorp).

NM_000256.3(MYBPC3):c.1540A>G (p.Ile514Val)

Gene: MYBPC3 (myosin binding protein C3; minus strand). Cytogenetic location: 11p11.2.
Variant type: single nucleotide variant.
Coding change: c.1540A>G on transcript NM_000256.3 (MANE Select); coding-DNA position 1540, A replaced by G.
Protein change: p.Ile514Val; replaces isoleucine 514 with valine.
Molecular consequence: missense variant.
Genome position (GRCh38, 1-based): chr11:47,342,662, T>C on the plus strand (A>G on the coding strand, the complement: MYBPC3 is on the minus strand). VCF-style: chr11-47342662-T-C. GRCh37 (hg19) VCF-style: chr11-47364213-T-C.
Other names: short protein forms I514V.
Identifiers: ClinVar variation 164110 (VCV000164110.11), dbSNP rs727503200, ClinGen allele CA010593.